The following is an entry in ClinVar:

ClinVar aggregate classification (germline): Uncertain significance (1 of 4 stars; one submission).

gnomAD v4.1: 1 of 1,612,038 alleles (0.000062%); no homozygotes.

Submission:

Labcorp Genetics (formerly Invitae), Labcorp
Classification: Uncertain significance. Last evaluated: 2023-04-10. Review status: criteria provided, single submitter. Criteria: Invitae Variant Classification Sherloc (09022015). Collection method: clinical testing. Allele origin: germline.
Comment: In summary, the available evidence is currently insufficient to determine the role of this variant in disease. Therefore, it has been classified as a Variant of Uncertain Significance. Algorithms developed to predict the effect of missense changes on protein structure and function output the following: SIFT: "Not Available"; PolyPhen-2: "Benign"; Align-GVGD: "Not Available". The leucine amino acid residue is found in multiple mammalian species, which suggests that this missense change does not adversely affect protein function. This variant has not been reported in the literature in individuals affected with ARHGEF1-related conditions. This variant is not present in population databases (gnomAD no frequency). This sequence change replaces proline, which is neutral and non-polar, with leucine, which is neutral and non-polar, at codon 182 of the ARHGEF1 protein (p.Pro182Leu).

NM_004706.4(ARHGEF1):c.500C>T (p.Pro167Leu)

Gene: ARHGEF1 (Rho guanine nucleotide exchange factor 1; plus strand). Cytogenetic location: 19q13.2.
Variant type: single nucleotide variant.
Coding change: c.500C>T on transcript NM_004706.4 (MANE Select); coding-DNA position 500, C replaced by T.
Protein change: p.Pro167Leu; replaces proline 167 with leucine.
Molecular consequence: missense variant. On other transcripts: non-coding transcript variant (2).
Genome position (GRCh38, 1-based): chr19:41,892,735, C>T. VCF-style: chr19-41892735-C-T. GRCh37 (hg19) VCF-style: chr19-42396806-C-T.
Other names: c.500C>T, p.Pro167Leu (NM_001396000.1, NM_001396003.1, NM_001396006.1); c.401C>T, p.Pro134Leu (NM_001396002.1, NM_001396004.1, NM_198977.2); c.545C>T, p.Pro182Leu (NM_199002.2); short protein forms P167L, P182L, P134L.
Identifiers: ClinVar variation 2792172 (VCV002792172.3), dbSNP rs2513787808, ClinGen allele CA406048147.